The following is an entry in ClinVar:

NM_006031.6(PCNT):c.9064C>G (p.Leu3022Val)

Gene: PCNT (pericentrin; plus strand). Cytogenetic location: 21q22.3.
Variant type: single nucleotide variant.
Coding change: c.9064C>G on transcript NM_006031.6 (MANE Select); coding-DNA position 9064, C replaced by G.
Protein change: p.Leu3022Val; replaces leucine 3022 with valine.
Molecular consequence: missense variant.
Genome position (GRCh38, 1-based): chr21:46,437,046, C>G. VCF-style: chr21-46437046-C-G. GRCh37 (hg19) VCF-style: chr21-47856959-C-G.
Other names: c.8473C>G, p.Leu2825Val (NM_001315529.2); short protein forms L2825V, L3022V.
Identifiers: ClinVar variation 3351405 (VCV003351405.2).

ClinVar aggregate classification (germline): Uncertain significance. Review status: criteria provided, single submitter (1 of 4 stars). 2 submissions from 2 submitters: Uncertain significance (1). 1 of the submissions does not count toward it. Last evaluated 2025-11-06.

Conditions:
Inborn genetic diseases. Identifiers: MedGen C0950123, MeSH D030342.
PCNT-related disorder. Also called: PCNT-related condition.

gnomAD v4.1: 16 of 1,613,978 alleles (0.00099%); highest among the groups gnomAD compares: Admixed American, 0.005%; no homozygotes.

Submissions (2):

Ambry Genetics
Classification: Uncertain significance for Inborn genetic diseases. Last evaluated: 2025-11-06. Review status: criteria provided, single submitter. Criteria: Ambry Variant Classification Scheme 2023. Collection method: clinical testing. Allele origin: germline.

PreventionGenetics, part of Exact Sciences
Classification: Uncertain significance for PCNT-related condition. Last evaluated: 2024-01-29. Review status: no assertion criteria provided. Collection method: clinical testing. Allele origin: germline. Not counted in ClinVar's aggregate classification.
Comment: The PCNT c.9064C>G variant is predicted to result in the amino acid substitution p.Leu3022Val. To our knowledge, this variant has not been reported in the literature. This variant is reported in 0.0023% of alleles in individuals of European (Non-Finnish) descent in gnomAD. At this time, the clinical significance of this variant is uncertain due to the absence of conclusive functional and genetic evidence.